The following is an entry in ClinVar:

NM_004656.4(BAP1):c.774_783+6del

Gene: BAP1 (BRCA1 associated deubiquitinase 1; minus strand). Cytogenetic location: 3p21.1.
Variant type: Deletion.
Coding change: c.774_783+6del on transcript NM_004656.4 (MANE Select); coding-DNA position 774 through 6 bases into the intron after coding-DNA position 783, 16 bases deleted (TCTGCAGCAGGTAGGT).
Molecular consequence: splice donor variant.
Genome position (GRCh38, 1-based): chr3:52,406,247-52,406,262, ACCTACCTGCTGCAGA deleted on the plus strand (TCTGCAGCAGGTAGGT on the coding strand, the reverse complement: BAP1 is on the minus strand). VCF-style (leftmost placement, unchanged base first): chr3-52406246-CACCTACCTGCTGCAGA-C. GRCh37 (hg19) VCF-style: chr3-52440262-CACCTACCTGCTGCAGA-C.
Other names: c.720_729+6del (NM_001410772.1).
Identifiers: ClinVar variation 3987166 (VCV003987166.1).

ClinVar aggregate classification (germline): Uncertain significance (1 of 4 stars; one submission).

Conditions:
Hereditary cancer-predisposing syndrome. Also called: Tumor predisposition; Hereditary neoplastic syndrome; Neoplastic Syndromes, Hereditary; Hereditary Cancer Syndrome. Identifiers: Orphanet 140162, MedGen C0027672, MeSH D009386, MONDO:0015356.

Submission:

Ambry Genetics
Classification: Uncertain significance for Hereditary cancer-predisposing syndrome. Last evaluated: 2025-06-06. Review status: criteria provided, single submitter. Criteria: Ambry Variant Classification Scheme 2023. Collection method: clinical testing. Allele origin: germline.
Comment: The c.774_783+6del16 variant results from a deletion of 16 nucleotides and involves the canonical splice donor site after coding exon 9 of the BAP1 gene. The canonical splice donor site is highly conserved in available vertebrate species. In silico splice site analysis predicts that this alteration will weaken the native splice donor site and will result in the creation or strengthening of a novel splice donor site. RNA studies have demonstrated that this alteration results in a transcript predicted to lead to a protein with an in-frame deletion of 12 amino acids; however, the exact functional impact of the deleted amino acids is unknown at this time (Ambry internal data). Based on the available evidence, the clinical significance of this variant remains unclear.